The following is an entry in ClinVar:

NM_020312.4(COQ9):c.298C>T (p.Gln100Ter)

Gene: COQ9 (coenzyme Q9; plus strand). Cytogenetic location: 16q21.
Variant type: single nucleotide variant.
Coding change: c.298C>T on transcript NM_020312.4 (MANE Select); coding-DNA position 298, C replaced by T.
Protein change: p.Gln100Ter; replaces glutamine 100 with a stop codon.
Molecular consequence: nonsense.
Genome position (GRCh38, 1-based): chr16:57,452,856, C>T. VCF-style: chr16-57452856-C-T. GRCh37 (hg19) VCF-style: chr16-57486768-C-T.
Other names: short protein forms Q100*.
Identifiers: ClinVar variation 4884819 (VCV004884819.1).

ClinVar aggregate classification (germline): Uncertain significance (0 of 4 stars; one submission).

Conditions:
Encephalopathy-hypertrophic cardiomyopathy-renal tubular disease syndrome. Identifiers: Orphanet 319678, MedGen C3553374, MONDO:0013840, OMIM 614654.

Submission:

Hong-Tao Li Lab, Institute of Brain Science and Brain-inspired Research, Shandong First Medical University & Shandong Academy of Medical Sciences China
Classification: Uncertain significance for Encephalopathy-hypertrophic cardiomyopathy-renal tubular disease syndrome. Review status: no assertion criteria provided. Collection method: research. Allele origin: germline. Inheritance: Autosomal recessive inheritance. Affected: yes. Observed: 1 variant allele, 1 homozygote.
Comment: Observed in affected individuals from a Pakistani neurodevelopmental-disorder research cohort of 263 individuals. Classification assigned using the ACMG/AMP framework. Population-frequency evidence: gnomAD AF 7.953e-06.